The following is an entry in ClinVar:

ClinVar aggregate classification (germline): Uncertain significance (1 of 4 stars; one submission).

Allele frequency attached by ClinVar (database versions not stated): TOPMed below 0.00001; gnomAD 0.00001.
gnomAD v4.1: 1 of 1,614,024 alleles (0.000062%); highest among the groups gnomAD compares: African/African-American, 0.0013%; no homozygotes.

Submission:

Labcorp Genetics (formerly Invitae), Labcorp
Classification: Uncertain significance. Last evaluated: 2023-04-12. Review status: criteria provided, single submitter. Criteria: Invitae Variant Classification Sherloc (09022015). Collection method: clinical testing. Allele origin: germline.
Comment: In summary, the available evidence is currently insufficient to determine the role of this variant in disease. Therefore, it has been classified as a Variant of Uncertain Significance. Advanced modeling of protein sequence and biophysical properties (such as structural, functional, and spatial information, amino acid conservation, physicochemical variation, residue mobility, and thermodynamic stability) performed at Invitae indicates that this missense variant is not expected to disrupt IGF1R protein function. This variant has not been reported in the literature in individuals affected with IGF1R-related conditions. This variant is not present in population databases (gnomAD no frequency). This sequence change replaces glycine, which is neutral and non-polar, with valine, which is neutral and non-polar, at codon 655 of the IGF1R protein (p.Gly655Val).

NM_000875.5(IGF1R):c.1964G>T (p.Gly655Val)

Gene: IGF1R (insulin like growth factor 1 receptor; plus strand). Cytogenetic location: 15q26.3.
Variant type: single nucleotide variant.
Coding change: c.1964G>T on transcript NM_000875.5 (MANE Select); coding-DNA position 1964, G replaced by T.
Protein change: p.Gly655Val; replaces glycine 655 with valine.
Molecular consequence: missense variant.
Genome position (GRCh38, 1-based): chr15:98,916,099, G>T. VCF-style: chr15-98916099-G-T. GRCh37 (hg19) VCF-style: chr15-99459328-G-T.
Other names: c.1964G>T, p.Gly655Val (NM_001291858.2); short protein forms G655V.
Identifiers: ClinVar variation 3010120 (VCV003010120.3), dbSNP rs2015232085, ClinGen allele CA393679897.
Genomic context (GRCh38, chr15:98,916,099, plus strand): 5'-CTCTGCCCAACGGCAACCTGAGTTACTACATTGTGCGCTGGCAGCGGCAGCCTCAGGACG[G>T]CTACCTTTACCGGCACAATTACTGCTCCAAAGGTAAGGGTGCAGCAGCGGCCTGGACGGA-3'
Protein context (NP_000866.1, residues 645-665): IVRWQRQPQD[Gly655Val]YLYRHNYCSK